The following is an entry in ClinVar:

ClinVar aggregate classification (germline): Uncertain significance. Review status: criteria provided, single submitter (1 of 4 stars). 2 submissions from 1 submitter: Uncertain significance (2). Last evaluated 2022-10-22.

Conditions:
Dilated cardiomyopathy 1O (CMD1O). Also called: CARDIOMYOPATHY, DILATED, WITH VENTRICULAR TACHYCARDIA. Identifiers: Orphanet 154, MedGen C1837839, MONDO:0012062, OMIM 608569.
Brugada syndrome. Also called: Sudden unexpected nocturnal death syndrome; Sudden Unexplained Death Syndrome; Sudden Unexplained Nocturnal Death Syndrome (SUNDS); Sudden unexplained nocturnal death syndrome. Identifiers: Orphanet 130, MedGen C1142166, MONDO:0015263.

Submissions (2):

Labcorp Genetics (formerly Invitae), Labcorp
Classification: Uncertain significance for Brugada syndrome. Last evaluated: 2022-10-22. Review status: criteria provided, single submitter. Criteria: Invitae Variant Classification Sherloc (09022015). Collection method: clinical testing. Allele origin: germline.
Comment: A copy number gain of the genomic region encompassing the full coding sequence of the KCNJ8 gene has been identified. The boundaries of this event are unknown as they extend beyond the assayed region for this gene and therefore may encompass additional genes. As the precise location of this event is unknown, it may be in tandem or it may be located elsewhere in the genome. This variant has not been reported in the literature in individuals affected with KCNJ8-related conditions. In summary, the available evidence is currently insufficient to determine the role of this variant in disease. Therefore, it has been classified as a Variant of Uncertain Significance.

Labcorp Genetics (formerly Invitae), Labcorp
Classification: Uncertain significance for Dilated cardiomyopathy 1O. Last evaluated: 2022-10-22. Review status: criteria provided, single submitter. Criteria: Invitae Variant Classification Sherloc (09022015). Collection method: clinical testing. Allele origin: germline.
Comment: This variant results in a copy number gain of the genomic region encompassing exon(s) 17-38 of the ABCC9 gene. This region includes the termination codon of the gene. This copy number gain extends beyond the assayed region for this gene and therefore may encompass additional genes. As the precise location of this event is unknown, it may be in tandem or it may be located elsewhere in the genome. This variant has not been reported in the literature in individuals affected with ABCC9-related conditions. In summary, the available evidence is currently insufficient to determine the role of this variant in disease. Therefore, it has been classified as a Variant of Uncertain Significance.

NC_000012.11:g.(?_21918657)_(22017431_?)dup

Genes: ABCC9 (ATP binding cassette subfamily C member 9; minus strand), KCNJ8 (potassium inwardly rectifying channel subfamily J member 8; minus strand). Cytogenetic location: 12p12.1.
Variant type: Duplication.
Identifiers: ClinVar variation 2425251 (VCV002425251.3).